The following is an entry in ClinVar:

ClinVar aggregate classification (germline): Benign/Likely benign. Review status: criteria provided, multiple submitters, no conflicts (2 of 4 stars). 5 submissions from 5 submitters: Benign (1); Likely benign (2). 2 of the submissions do not count toward it. Last evaluated 2026-08-01.

Conditions:
DVL3-related disorder. Also called: DVL3-related condition.

Allele frequency attached by ClinVar (database versions not stated): 1000 Genomes Project 30x 0.00187; 1000 Genomes Project 0.00200; TOPMed 0.00470; gnomAD 0.00484 and 0.00499; ExAC 0.00529; ESP Exome Variant Server 0.00661.
gnomAD v4.1: 12,250 of 1,614,056 alleles (0.76%); highest among the groups gnomAD compares: Non-Finnish European, 0.96%; 66 homozygotes.

Submissions (5):

CeGaT Center for Human Genetics Tuebingen
Classification: Likely benign. Last evaluated: 2026-08-01. Review status: criteria provided, single submitter. Criteria: CeGaT Center For Human Genetics Tuebingen Variant Classification Criteria Version 2. Collection method: clinical testing. Allele origin: germline. Affected: yes. Observed: 9 variant alleles.
Comment: DVL3: BP4, BP7, BS2

Labcorp Genetics (formerly Invitae), Labcorp
Classification: Benign. Last evaluated: 2026-01-26. Review status: criteria provided, single submitter. Criteria: Invitae Variant Classification Sherloc (09022015). Collection method: clinical testing. Allele origin: germline.

GeneDx
Classification: Likely benign. Last evaluated: 2021-09-13. Review status: criteria provided, single submitter. Criteria: GeneDx Variant Classification Process June 2021. Collection method: clinical testing. Allele origin: germline. Affected: yes.

PreventionGenetics, part of Exact Sciences
Classification: Likely benign for DVL3-related condition. Last evaluated: 2019-04-25. Review status: no assertion criteria provided. Collection method: clinical testing. Allele origin: germline. Not counted in ClinVar's aggregate classification.
Comment: This variant is classified as likely benign based on ACMG/AMP sequence variant interpretation guidelines (Richards et al. 2015 PMID: 25741868, with internal and published modifications).

Department of Pathology and Laboratory Medicine, Sinai Health System
Classification: Benign. Review status: no assertion criteria provided. Collection method: clinical testing. Allele origin: unknown. Affected: yes. Study: The Canadian Open Genetics Repository (COGR). Not counted in ClinVar's aggregate classification.
Comment: The DVL3 p.Ser97Ser variant was not identified in the literature nor was it identified in ClinVar, Cosmic or LOVD 3.0. The variant was identified in dbSNP (ID: rs150288196) and in control databases in 1358 of 282586 chromosomes (8 homozygous) at a frequency of 0.004806 increasing the likelihood this could be a low frequency benign variant (Genome Aggregation Database Feb 27, 2017). The variant was observed in the following populations: European (non-Finnish) in 1107 of 129004 chromosomes (freq: 0.008581), Other in 31 of 7216 chromosomes (freq: 0.004296), South Asian in 76 of 30614 chromosomes (freq: 0.002483), European (Finnish) in 54 of 25118 chromosomes (freq: 0.00215), African in 33 of 24916 chromosomes (freq: 0.001324), Ashkenazi Jewish in 13 of 10360 chromosomes (freq: 0.001255) and Latino in 44 of 35408 chromosomes (freq: 0.001243); it was not observed in the East Asian population. Although, the p.Ser97Ser variant is not expected to have clinical significance because it does not result in a change of amino acid and is not located in a known consensus splice site, 3 of 4 in silico or computational prediction software programs (SpliceSiteFinder, MaxEntScan, GeneSplicer) predict the creation of a new 3' splice site. However, this information is not predictive enough to assume pathogenicity. In summary, based on the above information this variant meets our laboratory's criteria to be classified as benign.

NM_004423.4(DVL3):c.291G>A (p.Ser97=)

Gene: DVL3 (dishevelled segment polarity protein 3; plus strand). Cytogenetic location: 3q27.1.
Variant type: single nucleotide variant.
Coding change: c.291G>A on transcript NM_004423.4 (MANE Select); coding-DNA position 291, G replaced by A.
Protein change: p.Ser97=; no amino-acid change (serine 97 retained).
Molecular consequence: synonymous variant.
Genome position (GRCh38, 1-based): chr3:184,164,326, G>A. VCF-style: chr3-184164326-G-A. GRCh37 (hg19) VCF-style: chr3-183882114-G-A.
Identifiers: ClinVar variation 715642 (VCV000715642.40), dbSNP rs150288196, ClinGen allele CA2727032.
Genomic context (GRCh38, chr3:184,164,326, plus strand): 5'-GCTGGTGTCAGCTGAGGGCTCACACCCAGACCCAGCCCCCTTCTGTGCTGATAACCCATC[G>A]GAGCTGCCACCACCTATGGAGCGCACGGGAGGCATCGGGGACTCCCGACCCCCATCCTTC-3'
Protein context (NP_004414.3, residues 87-107): DPAPFCADNP[Ser97=]ELPPPMERTG